The following is an entry in ClinVar:

NM_001267550.2(TTN):c.64980T>C (p.Pro21660=)

Genes: TTN (titin; minus strand), TTN-AS1 (TTN antisense RNA 1; plus strand). Cytogenetic location: 2q31.2.
Variant type: single nucleotide variant.
Coding change: c.64980T>C on transcript NM_001267550.2 (MANE Select); coding-DNA position 64980, T replaced by C.
Protein change: p.Pro21660=; no amino-acid change (proline 21660 retained).
Molecular consequence: synonymous variant.
Genome position (GRCh38, 1-based): chr2:178,584,571, A>G on the plus strand (T>C on the coding strand, the complement: TTN is on the minus strand). VCF-style: chr2-178584571-A-G. GRCh37 (hg19) VCF-style: chr2-179449298-A-G.
Other names: c.60057T>C, p.Pro20019= (NM_001256850.1); c.37785T>C, p.Pro12595= (NM_003319.4); c.57276T>C, p.Pro19092= (NM_133378.4); c.38160T>C, p.Pro12720= (NM_133432.3); c.38361T>C, p.Pro12787= (NM_133437.4).
Identifiers: ClinVar variation 4820437 (VCV004820437.1), dbSNP rs941610426.

ClinVar aggregate classification (germline): Likely benign (1 of 4 stars; one submission).

Submission:

Molecular Diagnostic Laboratory for Inherited Cardiovascular Disease, Montreal Heart Institute
Classification: Likely benign. Last evaluated: 2026-03-27. Review status: criteria provided, single submitter. Criteria: ACMG Guidelines, 2015. Collection method: clinical testing. Allele origin: germline. Affected: no.
Comment: BP7